The following is an entry in ClinVar:

ClinVar aggregate classification (germline): Uncertain significance (1 of 4 stars; one submission).

Submission:

Labcorp Genetics (formerly Invitae), Labcorp
Classification: Uncertain significance. Last evaluated: 2024-09-21. Review status: criteria provided, single submitter. Criteria: Invitae Variant Classification Sherloc (09022015). Collection method: clinical testing. Allele origin: germline.
Comment: This sequence change replaces aspartic acid, which is acidic and polar, with glutamic acid, which is acidic and polar, at codon 372 of the CTNNB1 protein (p.Asp372Glu). This variant is not present in population databases (gnomAD no frequency). This variant has not been reported in the literature in individuals affected with CTNNB1-related conditions. Invitae Evidence Modeling of protein sequence and biophysical properties (such as structural, functional, and spatial information, amino acid conservation, physicochemical variation, residue mobility, and thermodynamic stability) indicates that this missense variant is not expected to disrupt CTNNB1 protein function with a negative predictive value of 80%. In summary, the available evidence is currently insufficient to determine the role of this variant in disease. Therefore, it has been classified as a Variant of Uncertain Significance.

NM_001904.4(CTNNB1):c.1116T>A (p.Asp372Glu)

Gene: CTNNB1 (catenin beta 1; plus strand). Cytogenetic location: 3p22.1.
Variant type: single nucleotide variant.
Coding change: c.1116T>A on transcript NM_001904.4 (MANE Select); coding-DNA position 1116, T replaced by A.
Protein change: p.Asp372Glu; replaces aspartic acid 372 with glutamic acid.
Molecular consequence: missense variant.
Genome position (GRCh38, 1-based): chr3:41,233,375, T>A. VCF-style: chr3-41233375-T-A. GRCh37 (hg19) VCF-style: chr3-41274866-T-A.
Other names: c.1116T>A, p.Asp372Glu (NM_001098209.2, NM_001098210.2); c.1095T>A, p.Asp365Glu (NM_001330729.2); short protein forms D372E, D365E.
Identifiers: ClinVar variation 3667252 (VCV003667252.2).